The following is an entry in ClinVar:

NM_001265592.2(PLEKHG5):c.-114dup

Gene: PLEKHG5 (pleckstrin homology and RhoGEF domain containing G5; minus strand). Cytogenetic location: 1p36.31.
Variant type: Duplication.
Coding change: c.-114dup on transcript NM_001265592.2; 114 bases upstream of the start codon, one base duplicated (G; older notation c.-114dupG).
Molecular consequence: 5 prime UTR variant. On other transcripts: intron variant (2).
Genome position (GRCh38, 1-based): chr1:6,497,019, C duplicated on the plus strand (G on the coding strand, the reverse complement: PLEKHG5 is on the minus strand); the first of 4 consecutive C bases (chr1:6,497,019-6,497,022); duplicating any one gives the same sequence. VCF-style (leftmost placement, unchanged base first): chr1-6497018-T-TC. GRCh37 (hg19) VCF-style: chr1-6557078-T-TC.
Other names: c.-164-450dup (NM_198681.4); c.-54+301dup (NM_001042663.3).
Identifiers: ClinVar variation 4983781 (VCV004983781.1).

ClinVar aggregate classification (germline): Uncertain significance (1 of 4 stars; one submission).

Conditions:
PLEKHG5-related disorder. Also called: PLEKHG5-related condition.

Submission:

PreventionGenetics, part of Exact Sciences
Classification: Uncertain significance for PLEKHG5-related condition. Last evaluated: 2025-08-06. Review status: criteria provided, single submitter. Criteria: ACMG Guidelines, 2015. Collection method: clinical testing. Allele origin: germline.
Comment: The PLEKHG5 c.13dupG variant is predicted to result in a frameshift and premature protein termination (p.Glu5Glyfs*15). Of note, this variant can also be referred to as c.-5470dupG (pre-coding) with the alternate transcript, NM_020631. To our knowledge, this variant has not been reported in the literature. This variant is reported in 0.0024% of alleles in individuals of European (Non-Finnish) descent in gnomAD. At this time, the clinical significance of this variant is uncertain due to the absence of conclusive functional and genetic evidence.